The following is an entry in ClinVar:

NM_017629.4(AGO4):c.482C>A (p.Ser161Tyr)

Gene: AGO4 (argonaute RISC component 4; plus strand). Cytogenetic location: 1p34.3.
Variant type: single nucleotide variant.
Coding change: c.482C>A on transcript NM_017629.4 (MANE Select); coding-DNA position 482, C replaced by A.
Protein change: p.Ser161Tyr; replaces serine 161 with tyrosine.
Molecular consequence: missense variant. On other transcripts: non-coding transcript variant (1).
Genome position (GRCh38, 1-based): chr1:35,825,488, C>A. VCF-style: chr1-35825488-C-A. GRCh37 (hg19) VCF-style: chr1-36291089-C-A.
Other names: short protein forms S161Y.
Identifiers: ClinVar variation 2635612 (VCV002635612.1), dbSNP rs144740654, ClinGen allele CA20656852.
Genomic context (GRCh38, chr1:35,825,488, plus strand): 5'-TGAATGAAGTCCCAGATGACTCAGTACAAGCACTTGATGTTATCACAAGACACCTTCCCT[C>A]CATGAGGTTAGTACCTTGGTTTGGATTATTTCCTACAAATGTCAGACTTTTTTGGTAGGT-3'
Protein context (NP_060099.2, residues 151-171): ALDVITRHLP[Ser161Tyr]MRYTPVGRSF

ClinVar aggregate classification (germline): Uncertain significance (1 of 4 stars; one submission).

Conditions:
AGO4-related disorder. Also called: AGO4-related condition.

gnomAD v4.1: 3 of 1,613,912 alleles (0.00019%); highest among the groups gnomAD compares: African/African-American, 0.0013%; no homozygotes.

Submission:

PreventionGenetics, part of Exact Sciences
Classification: Uncertain significance for AGO4-related condition. Last evaluated: 2022-11-15. Review status: criteria provided, single submitter. Criteria: ACMG Guidelines, 2015. Collection method: clinical testing. Allele origin: germline.
Comment: The AGO4 c.482C>A variant is predicted to result in the amino acid substitution p.Ser161Tyr. To our knowledge, this variant has not been reported in the literature. This variant is reported in 0.0065% of alleles in individuals of European (Non-Finnish) descent in gnomAD. At this time, the clinical significance of this variant is uncertain due to the absence of conclusive functional and genetic evidence.